The following is an entry in ClinVar:

ClinVar aggregate classification (germline): Likely benign. Review status: criteria provided, single submitter (1 of 4 stars). 2 submissions from 2 submitters: Likely benign (1). 1 of the submissions does not count toward it. Last evaluated 2025-12-27.

Conditions:
Hypotension. Also called: Hypotensive disorder; low blood pressure. Identifiers: MedGen C0020649, MONDO:0005468, HP:0002615, MeSH D007022.

Allele frequency attached by ClinVar (database versions not stated): gnomAD exomes 0.00003 and 0.00002; 1000 Genomes Project 0.00080; TOPMed 0.00002; gnomAD 0.00004 and 0.00002; ExAC 0.00005; 1000 Genomes Project 30x 0.00062.
gnomAD v4.1: 37 of 1,614,196 alleles (0.0023%); highest among the groups gnomAD compares: African/African-American, 0.029%; no homozygotes.

Submissions (2):

Labcorp Genetics (formerly Invitae), Labcorp
Classification: Likely benign. Last evaluated: 2025-12-27. Review status: criteria provided, single submitter. Criteria: Invitae Variant Classification Sherloc (09022015). Collection method: clinical testing. Allele origin: germline.

Centre for molecular medicine, Karolinska Institutet
No classification provided. Condition: Hypotension. Review status: no classification provided. Collection method: not provided. Allele origin: not provided. Not counted in ClinVar's aggregate classification.
Comment: hold until published

NM_017637.6(BNC2):c.501C>T (p.Val167=)

Gene: BNC2 (basonuclin zinc finger protein 2; minus strand). Cytogenetic location: 9p22.3.
Variant type: single nucleotide variant.
Coding change: c.501C>T on transcript NM_017637.6 (MANE Select); coding-DNA position 501, C replaced by T.
Protein change: p.Val167=; no amino-acid change (valine 167 retained).
Molecular consequence: synonymous variant.
Genome position (GRCh38, 1-based): chr9:16,552,698, G>A on the plus strand (C>T on the coding strand, the complement: BNC2 is on the minus strand). VCF-style: chr9-16552698-G-A. GRCh37 (hg19) VCF-style: chr9-16552696-G-A.
Other names: c.375C>T, p.Val125= (NM_001317939.2); c.216C>T, p.Val72= (NM_001317940.2).
Identifiers: ClinVar variation 120241 (VCV000120241.4), dbSNP rs143821778, ClinGen allele CA204340.